The following is an entry in ClinVar:

ClinVar aggregate classification (germline): Conflicting classifications of pathogenicity. Review status: criteria provided, conflicting classifications (1 of 4 stars). 4 submissions from 4 submitters: Likely pathogenic (2); Uncertain significance (2). Last evaluated 2026-03-04.

Conditions:
Hereditary cancer-predisposing syndrome. Also called: Tumor predisposition; Hereditary Cancer Syndrome; Hereditary neoplastic syndrome; Neoplastic Syndromes, Hereditary. Identifiers: Orphanet 140162, MedGen C0027672, MeSH D009386, MONDO:0015356.
Multiple endocrine neoplasia, type 2 (MEN2). Identifiers: Orphanet 653, MedGen C4048306, MONDO:0019003. Disease mechanism: gain of function.
Hirschsprung disease, susceptibility to, 1 (HSCR1). Also called: RET-Related Hirschsprung Disease. Identifiers: Orphanet 388, MedGen C3888239, MONDO:0007723, OMIM 142623.

Submissions (4):

Ambry Genetics
Classification: Uncertain significance for Hereditary cancer-predisposing syndrome. Last evaluated: 2026-03-04. Review status: criteria provided, single submitter. Criteria: Ambry Variant Classification Scheme 2023. Collection method: clinical testing. Allele origin: germline.
Comment: The c.2136+2T>G intronic variant results from a T to G substitution two nucleotides after coding exon 11 in the RET gene. Variants that disrupt the canonical splice site are expected to result in aberrant splicing. In silico splice site analysis predicts that this alteration will weaken the native splice donor site and will result in the creation or strengthening of a novel splice donor site. A resulting transcript is predicted to be in-frame and is not expected to trigger nonsense-mediated mRNA decay; although, direct evidence is unavailable. The exact functional effect of the altered amino acid sequence is unknown. This nucleotide position is highly conserved in available vertebrate species. Based on the available evidence, the clinical significance of this variant remains unclear.

All of Us Research Program, National Institutes of Health
Classification: Uncertain significance for Multiple endocrine neoplasia, type 2. Last evaluated: 2023-11-30. Review status: criteria provided, single submitter. Criteria: ACMG Guidelines, 2015. Collection method: clinical testing. Allele origin: germline. Inheritance: Autosomal dominant inheritance. Observed: 1 variant allele, 1 heterozygote.
Comment: This study involves interpretation of variants in research participants for the purpose of population health screening. Participant phenotype was not available at the time of variant classification. Additional details can be found in publication PMID: 35346344, PMCID: PMC8962531

Labcorp Genetics (formerly Invitae), Labcorp
Classification: Likely pathogenic for Multiple endocrine neoplasia, type 2. Last evaluated: 2023-03-24. Review status: criteria provided, single submitter. Criteria: Invitae Variant Classification Sherloc (09022015). Collection method: clinical testing. Allele origin: germline.
Comment: In summary, the currently available evidence indicates that the variant is pathogenic, but additional data are needed to prove that conclusively. Therefore, this variant has been classified as Likely Pathogenic. Algorithms developed to predict the effect of sequence changes on RNA splicing suggest that this variant may disrupt the consensus splice site. ClinVar contains an entry for this variant (Variation ID: 1709192). This variant has not been reported in the literature in individuals affected with RET-related conditions. This variant is not present in population databases (gnomAD no frequency). This sequence change affects a donor splice site in intron 11 of the RET gene. It is expected to disrupt RNA splicing. Variants that disrupt the donor or acceptor splice site typically lead to a loss of protein function (PMID: 16199547), and loss-of-function variants in RET are known to be pathogenic (PMID: 22174939, 22648184).

MGZ Medical Genetics Center
Classification: Likely pathogenic for Hirschsprung disease, susceptibility to, 1. Last evaluated: 2022-03-28. Review status: criteria provided, single submitter. Criteria: ACMG Guidelines, 2015. Collection method: clinical testing. Allele origin: germline. Affected: yes. Observed: 1 variant allele.
Comment: ACMG criteria applied: PVS1, PM2_SUP

Literature cited by the submitters: PubMed 16199547 (cited by Labcorp Genetics (formerly Invitae), Labcorp); PubMed 22174939 (cited by Labcorp Genetics (formerly Invitae), Labcorp); PubMed 22648184 (cited by Labcorp Genetics (formerly Invitae), Labcorp).

NM_020975.6(RET):c.2136+2T>G

Gene: RET (ret proto-oncogene; plus strand). Cytogenetic location: 10q11.21.
Variant type: single nucleotide variant.
Coding change: c.2136+2T>G on transcript NM_020975.6 (MANE Select); the canonical splice donor site of the intron after coding-DNA position 2136, T replaced by G.
Molecular consequence: splice donor variant.
Genome position (GRCh38, 1-based): chr10:43,114,738, T>G. VCF-style: chr10-43114738-T-G. GRCh37 (hg19) VCF-style: chr10-43610186-T-G.
Other names: c.2136+2T>G (NM_020975.4, NM_020630.7, NM_001406743.1 and 3 more transcripts); c.2001+2T>G (NM_001406765.1, NM_001406763.1); c.1740+2T>G (NM_001406772.1, NM_001406769.1); c.1698+2T>G (NM_001406773.1, NM_001406771.1); c.1239+2T>G (NM_001406782.1, NM_001406780.1, NM_001406779.1 and 1 more transcripts); c.1104+2T>G (NM_001406787.1); c.1119+2T>G (NM_001406785.1); c.2007+2T>G (NM_001406764.1, NM_001406762.1, NM_001406761.1); and 10 more.
Identifiers: ClinVar variation 1709192 (VCV001709192.9), dbSNP rs2132856009, ClinGen allele CA376553433.